The following is an entry in ClinVar:

ClinVar aggregate classification (germline): Uncertain significance. Review status: criteria provided, multiple submitters, no conflicts (2 of 4 stars). 2 submissions from 2 submitters: Uncertain significance (2). Last evaluated 2026-03-27.

Conditions:
Inherited breast cancer and ovarian cancer.
Hereditary cancer-predisposing syndrome. Also called: Neoplastic Syndromes, Hereditary; Tumor predisposition; Hereditary Cancer Syndrome; Hereditary neoplastic syndrome. Identifiers: Orphanet 140162, MedGen C0027672, MeSH D009386, MONDO:0015356.

Submissions (2):

Genetics Laboratory, Great Ormond Street Hospital NHS Foundation Trust, North Thames Genomic Laboratory Hub
Classification: Uncertain significance for Inherited breast cancer and ovarian cancer. Last evaluated: 2026-03-27. Review status: criteria provided, single submitter. Criteria: CanVIG BRCA Gene Specific V1.22. Collection method: clinical testing. Allele origin: germline. Affected: yes.
Comment: PM2_moderate, PP3_supporting, PM1_supporting

Hereditary Cancer Laboratory, Hospital Universitario 12 de Octubre
Classification: Uncertain significance for Hereditary cancer-predisposing syndrome. Last evaluated: 2024-02-15. Review status: criteria provided, single submitter. Criteria: ACMG Guidelines, 2015. Collection method: clinical testing. Allele origin: germline.
Comment: PM2+PP3

NM_000059.4(BRCA2):c.9008G>T (p.Gly3003Val)

Gene: BRCA2 (BRCA2 DNA repair associated; plus strand). Cytogenetic location: 13q13.1.
Variant type: single nucleotide variant.
Coding change: c.9008G>T on transcript NM_000059.4 (MANE Select); coding-DNA position 9008, G replaced by T.
Protein change: p.Gly3003Val; replaces glycine 3003 with valine.
Molecular consequence: missense variant. On other transcripts: non-coding transcript variant (1).
Genome position (GRCh38, 1-based): chr13:32,379,804, G>T. VCF-style: chr13-32379804-G-T. GRCh37 (hg19) VCF-style: chr13-32953941-G-T.
Other names: c.8912G>T, p.Gly2971Val (NM_001406719.1); c.8957G>T, p.Gly2986Val (NM_001406720.1); c.4076G>T, p.Gly1359Val (NM_001406721.1); c.2591G>T, p.Gly864Val (NM_001406722.1); c.9008G>T, p.Gly3003Val (NM_001432077.1); short protein forms G1359V, G2971V, G2986V, G3003V, G864V.
Identifiers: ClinVar variation 3906172 (VCV003906172.2).